The following is an entry in ClinVar:

NM_003000.3(SDHB):c.72+6T>G

Genes: SDHB (succinate dehydrogenase complex iron sulfur subunit B; minus strand), LOC129929542 (ATAC-STARR-seq lymphoblastoid active region 277; plus strand). Cytogenetic location: 1p36.13.
Variant type: single nucleotide variant.
Coding change: c.72+6T>G on transcript NM_003000.3 (MANE Select); 6 bases into the intron after coding-DNA position 72, T replaced by G.
Molecular consequence: intron variant.
Genome position (GRCh38, 1-based): chr1:17,053,942, A>C on the plus strand (T>G on the coding strand, the complement: SDHB is on the minus strand). VCF-style: chr1-17053942-A-C. GRCh37 (hg19) VCF-style: chr1-17380437-A-C.
Other names: c.72+6T>G (NM_001407361.1).
Identifiers: ClinVar variation 3757481 (VCV003757481.2).
Genomic context (GRCh38, chr1:17,053,942, plus strand): 5'-CCCATCAGCTCCAGGCAGTCTCTGTGGCTTTCCTGACTTTTCCCTCTCTGAGGCTCCAGG[A>C]CTCACCTGCAGGCAGGCTCCGCCAAGGGTTGTGGCCGGCAACCGGCGCCTCAAGGAGAGG-3'

ClinVar aggregate classification (germline): Uncertain significance (1 of 4 stars; one submission).

Conditions:
Pheochromocytoma. Also called: MAX-Related Hereditary Paraganglioma-Pheochromocytoma Syndrome. Identifiers: Orphanet 29072, MedGen C0031511, MONDO:0008233, OMIM 171300, HP:0002666.
Pheochromocytoma/paraganglioma syndrome 4. Also called: CAROTID BODY TUMORS AND MULTIPLE EXTRAADRENAL PHEOCHROMOCYTOMAS; PARAGANGLIOMA, FAMILIAL MALIGNANT; PARAGANGLIOMAS, HEREDITARY EXTRAADRENAL; PHEOCHROMOCYTOMA, FAMILIAL EXTRAADRENAL; Paragangliomas 4; SDHB-Related Hereditary Paraganglioma-Pheochromocytoma Syndrome (Paragangliomas 4). Identifiers: Orphanet 29072, MedGen C1861848, MONDO:0007273, OMIM 115310.
Gastrointestinal stromal tumor. Also called: Gastrointestinal stromal tumor, somatic; Gastrointestinal stroma tumor. Identifiers: Orphanet 44890, MedGen C0238198, MeSH D046152, MONDO:0011719, OMIM 606764, HP:0100723.

Submission:

Labcorp Genetics (formerly Invitae), Labcorp
Classification: Uncertain significance for Gastrointestinal stromal tumor; Pheochromocytoma/paraganglioma syndrome 4; Pheochromocytoma. Last evaluated: 2024-07-31. Review status: criteria provided, single submitter. Criteria: Invitae Variant Classification Sherloc (09022015). Collection method: clinical testing. Allele origin: germline.
Comment: This sequence change falls in intron 1 of the SDHB gene. It does not directly change the encoded amino acid sequence of the SDHB protein. It affects a nucleotide within the consensus splice site. This variant is not present in population databases (gnomAD no frequency). This variant has not been reported in the literature in individuals affected with SDHB-related conditions. Variants that disrupt the consensus splice site are a relatively common cause of aberrant splicing (PMID: 17576681, 9536098). Algorithms developed to predict the effect of sequence changes on RNA splicing suggest that this variant is not likely to affect RNA splicing. In summary, the available evidence is currently insufficient to determine the role of this variant in disease. Therefore, it has been classified as a Variant of Uncertain Significance.

Literature cited by the submitters: PubMed 17576681; PubMed 9536098.